The following is an entry in ClinVar:

ClinVar aggregate classification (germline): Likely pathogenic (1 of 4 stars; one submission).

Conditions:
Nemaline myopathy. Also called: Myopathies, Nemaline. Identifiers: Orphanet 607, MedGen C0206157, MONDO:0018958.

Allele frequency attached by ClinVar (database versions not stated): gnomAD exomes below 0.00001.
gnomAD v4.1: 2 of 1,582,468 alleles (0.00013%); highest among the groups gnomAD compares: Non-Finnish European, 0.00017%; no homozygotes.

Submission:

Women's Health and Genetics/Laboratory Corporation of America, LabCorp
Classification: Likely pathogenic for Nemaline myopathy. Last evaluated: 2023-03-06. Review status: criteria provided, single submitter. Criteria: LabCorp Variant Classification Summary - May 2015. Collection method: clinical testing. Allele origin: germline.
Comment: Variant summary: NEB c.1035+1G>A is located in a canonical splice-site and is predicted to affect mRNA splicing resulting in a significantly altered protein due to either exon skipping, shortening, or inclusion of intronic material. Several computational tools predict a significant impact on normal splicing: Four predict the variant abolishes a 5' splicing donor site. However, these predictions have yet to be confirmed by functional studies. The variant allele was found at a frequency of 4.8e-06 in 208356 control chromosomes. To our knowledge, no occurrence of c.1035+1G>A in individuals affected with Nemaline Myopathy 2 and no experimental evidence demonstrating its impact on protein function have been reported. No clinical diagnostic laboratories have submitted clinical-significance assessments for this variant to ClinVar after 2014. Based on the evidence outlined above, the variant was classified as likely pathogenic.

NM_001164508.2(NEB):c.1035+1G>A

Gene: NEB (nebulin; minus strand). Cytogenetic location: 2q23.3.
Variant type: single nucleotide variant.
Coding change: c.1035+1G>A on transcript NM_001164508.2 (MANE Select); the canonical splice donor site of the intron after coding-DNA position 1035, G replaced by A.
Molecular consequence: splice donor variant.
Genome position (GRCh38, 1-based): chr2:151,709,655, C>T on the plus strand (G>A on the coding strand, the complement: NEB is on the minus strand). VCF-style: chr2-151709655-C-T. GRCh37 (hg19) VCF-style: chr2-152566169-C-T.
Other names: c.1035+1G>A (NM_004543.5, NM_001164507.2, NM_001271208.2).
Identifiers: ClinVar variation 2501116 (VCV002501116.1), dbSNP rs1313089322, ClinGen allele CA348785679.